The following is an entry in ClinVar:

ClinVar aggregate classification (germline): Uncertain significance (1 of 4 stars; one submission).

Conditions:
Immunodeficiency 39 (IMD39). Identifiers: Orphanet 574918, MedGen C4225358, MONDO:0014597, OMIM 616345.

gnomAD v4.1: 1 of 1,613,050 alleles (0.000062%); highest among the groups gnomAD compares: Non-Finnish European, 0.000085%; no homozygotes.

Submission:

Labcorp Genetics (formerly Invitae), Labcorp
Classification: Uncertain significance for Immunodeficiency 39. Last evaluated: 2023-12-13. Review status: criteria provided, single submitter. Criteria: Invitae Variant Classification Sherloc (09022015). Collection method: clinical testing. Allele origin: germline.
Comment: This sequence change replaces glycine, which is neutral and non-polar, with alanine, which is neutral and non-polar, at codon 227 of the IRF7 protein (p.Gly227Ala). This variant is not present in population databases (gnomAD no frequency). This variant has not been reported in the literature in individuals affected with IRF7-related conditions. Advanced modeling of protein sequence and biophysical properties (such as structural, functional, and spatial information, amino acid conservation, physicochemical variation, residue mobility, and thermodynamic stability) performed at Invitae indicates that this missense variant is not expected to disrupt IRF7 protein function with a negative predictive value of 80%. In summary, the available evidence is currently insufficient to determine the role of this variant in disease. Therefore, it has been classified as a Variant of Uncertain Significance.

NM_001572.5(IRF7):c.641G>C (p.Gly214Ala)

Gene: IRF7 (interferon regulatory factor 7; minus strand). Cytogenetic location: 11p15.5.
Variant type: single nucleotide variant.
Coding change: c.641G>C on transcript NM_001572.5 (MANE Select); coding-DNA position 641, G replaced by C.
Protein change: p.Gly214Ala; replaces glycine 214 with alanine.
Molecular consequence: missense variant.
Genome position (GRCh38, 1-based): chr11:614,212, C>G on the plus strand (G>C on the coding strand, the complement: IRF7 is on the minus strand). VCF-style: chr11-614212-C-G. GRCh37 (hg19) VCF-style: chr11-614212-C-G.
Other names: c.641G>C, p.Gly214Ala (NM_004029.4); c.680G>C, p.Gly227Ala (NM_004031.4); short protein forms G214A, G227A.
Identifiers: ClinVar variation 3004035 (VCV003004035.3), dbSNP rs140823442, ClinGen allele CA378981473.